The following is an entry in ClinVar:

NM_022437.3(ABCG8):c.206C>T (p.Ala69Val)

Gene: ABCG8 (ATP binding cassette subfamily G member 8; plus strand). Cytogenetic location: 2p21.
Variant type: single nucleotide variant.
Coding change: c.206C>T on transcript NM_022437.3 (MANE Select); coding-DNA position 206, C replaced by T.
Protein change: p.Ala69Val; replaces alanine 69 with valine.
Molecular consequence: missense variant.
Genome position (GRCh38, 1-based): chr2:43,846,195, C>T. VCF-style: chr2-43846195-C-T. GRCh37 (hg19) VCF-style: chr2-44073334-C-T.
Other names: c.206C>T, p.Ala69Val (NM_001357321.2); short protein forms A69V.
Identifiers: ClinVar variation 5027499 (VCV005027499.1).

ClinVar aggregate classification (germline): Uncertain significance (1 of 4 stars; one submission).

Conditions:
Cardiovascular phenotype. Identifiers: MedGen CN230736.

Submission:

Ambry Genetics
Classification: Uncertain significance for Cardiovascular phenotype. Last evaluated: 2026-07-13. Review status: criteria provided, single submitter. Criteria: Ambry Variant Classification Scheme 2023. Collection method: clinical testing. Allele origin: germline.
Comment: The p.A69V variant (also known as c.206C>T), located in coding exon 3 of the ABCG8 gene, results from a C to T substitution at nucleotide position 206. The alanine at codon 69 is replaced by valine, an amino acid with similar properties. This amino acid position is conserved. In addition, this alteration is predicted to be tolerated by in silico analysis. Based on the available evidence, the clinical significance of this variant remains unclear.